The following is an entry in ClinVar:

ClinVar aggregate classification (germline): Uncertain significance (1 of 4 stars; one submission).

Conditions:
Cardiovascular phenotype. Identifiers: MedGen CN230736.

Submission:

Ambry Genetics
Classification: Uncertain significance for Cardiovascular phenotype. Last evaluated: 2024-10-25. Review status: criteria provided, single submitter. Criteria: Ambry Variant Classification Scheme 2023. Collection method: clinical testing. Allele origin: germline.
Comment: The p.E484V variant (also known as c.1451A>T), located in coding exon 14 of the PRKAG2 gene, results from an A to T substitution at nucleotide position 1451. The glutamic acid at codon 484 is replaced by valine, an amino acid with dissimilar properties. This amino acid position is conserved. In addition, this alteration is predicted to be deleterious by in silico analysis. Based on the available evidence, the clinical significance of this variant remains unclear.

NM_016203.4(PRKAG2):c.1451A>T (p.Glu484Val)

Gene: PRKAG2 (protein kinase AMP-activated non-catalytic subunit gamma 2; minus strand). Cytogenetic location: 7q36.1.
Variant type: single nucleotide variant.
Coding change: c.1451A>T on transcript NM_016203.4 (MANE Select); coding-DNA position 1451, A replaced by T.
Protein change: p.Glu484Val; replaces glutamic acid 484 with valine.
Molecular consequence: missense variant.
Genome position (GRCh38, 1-based): chr7:151,564,211, T>A on the plus strand (A>T on the coding strand, the complement: PRKAG2 is on the minus strand). VCF-style: chr7-151564211-T-A. GRCh37 (hg19) VCF-style: chr7-151261297-T-A.
Other names: c.1319A>T, p.Glu440Val (NM_001040633.2, NM_001407024.1); c.1076A>T, p.Glu359Val (NM_001304527.2, NM_001407029.1); c.728A>T, p.Glu243Val (NM_001304531.2, NM_001407034.1, NM_001407035.1 and 1 more transcripts); c.1079A>T, p.Glu360Val (NM_001363698.2, NM_001407028.1); c.1451A>T, p.Glu484Val (NM_001407021.1); c.1448A>T, p.Glu483Val (NM_001407022.1, NM_001407023.1); c.1316A>T, p.Glu439Val (NM_001407026.1, NM_001407027.1); c.1163A>T, p.Glu388Val (NM_001407030.1); and 6 more; short protein forms E376V, E388V, E360V, E440V, E483V, E242V, E259V, E359V.
Identifiers: ClinVar variation 3425030 (VCV003425030.1).